The following is an entry in ClinVar:

ClinVar aggregate classification (germline): Likely pathogenic. Review status: criteria provided, multiple submitters, no conflicts (2 of 4 stars). 2 submissions from 2 submitters: Likely pathogenic (2). Last evaluated 2022-11-15.

Conditions:
ATP2A1-related disorder. Also called: ATP2A1-related condition.
Brody myopathy. Also called: BRODY DISEASE. Identifiers: Orphanet 53347, MedGen C1832918, MONDO:0010977, OMIM 601003.

Allele frequency attached by ClinVar (database versions not stated): gnomAD exomes below 0.00001; gnomAD 0.00001.

Submissions (2):

PreventionGenetics, part of Exact Sciences
Classification: Likely pathogenic for ATP2A1-related condition. Last evaluated: 2022-11-15. Review status: criteria provided, single submitter. Criteria: ACMG Guidelines, 2015. Collection method: clinical testing. Allele origin: germline.
Comment: The ATP2A1 c.2322-2A>G variant is predicted to disrupt the AG splice acceptor site and interfere with normal splicing. To our knowledge, this variant has not been reported in the literature or in a large population database, indicating this variant is rare. Variants that disrupt the consensus splice acceptor site in ATP2A1 are expected to be pathogenic, and therefore we interpret c.2322-2A>G as likely pathogenic.

Labcorp Genetics (formerly Invitae), Labcorp
Classification: Likely pathogenic for Brody myopathy. Last evaluated: 2021-05-29. Review status: criteria provided, single submitter. Criteria: Invitae Variant Classification Sherloc (09022015). Collection method: clinical testing. Allele origin: germline.
Comment: In summary, the currently available evidence indicates that the variant is pathogenic, but additional data are needed to prove that conclusively. Therefore, this variant has been classified as Likely Pathogenic. Algorithms developed to predict the effect of sequence changes on RNA splicing suggest that this variant may disrupt the consensus splice site, but this prediction has not been confirmed by published transcriptional studies. This variant has not been reported in the literature in individuals with ATP2A1-related conditions. This variant is not present in population databases (ExAC no frequency). This sequence change affects an acceptor splice site in intron 16 of the ATP2A1 gene. It is expected to disrupt RNA splicing. Variants that disrupt the donor or acceptor splice site typically lead to a loss of protein function (PMID: 16199547), and loss-of-function variants in ATP2A1 are known to be pathogenic (PMID: 8841193, 10914677, 23911890).

Literature cited by the submitters: PubMed 16199547 (cited by Labcorp Genetics (formerly Invitae), Labcorp); PubMed 8841193 (cited by Labcorp Genetics (formerly Invitae), Labcorp); PubMed 10914677 (cited by Labcorp Genetics (formerly Invitae), Labcorp); PubMed 23911890 (cited by Labcorp Genetics (formerly Invitae), Labcorp).

NM_004320.6(ATP2A1):c.2322-2A>G

Gene: ATP2A1 (ATPase sarcoplasmic/endoplasmic reticulum Ca2+ transporting 1; plus strand). Cytogenetic location: 16p11.2.
Variant type: single nucleotide variant.
Coding change: c.2322-2A>G on transcript NM_004320.6 (MANE Select); the canonical splice acceptor site of the intron before coding-DNA position 2322, A replaced by G.
Molecular consequence: splice acceptor variant.
Genome position (GRCh38, 1-based): chr16:28,902,182, A>G. VCF-style: chr16-28902182-A-G. GRCh37 (hg19) VCF-style: chr16-28913503-A-G.
Other names: c.2322-2A>G (NM_173201.5, NM_173201.3); c.1947-2A>G (NM_001286075.2).
Identifiers: ClinVar variation 1493787 (VCV001493787.9), dbSNP rs1964095605, ClinGen allele CA395413439.